The following is an entry in ClinVar:

NM_001370259.2(MEN1):c.1336C>T (p.Arg446Cys)

Gene: MEN1 (menin 1; minus strand). Cytogenetic location: 11q13.1.
Variant type: single nucleotide variant.
Coding change: c.1336C>T on transcript NM_001370259.2 (MANE Select); coding-DNA position 1336, C replaced by T.
Protein change: p.Arg446Cys; replaces arginine 446 with cysteine.
Molecular consequence: missense variant.
Genome position (GRCh38, 1-based): chr11:64,805,048, G>A on the plus strand (C>T on the coding strand, the complement: MEN1 is on the minus strand). VCF-style: chr11-64805048-G-A. GRCh37 (hg19) VCF-style: chr11-64572520-G-A.
Other names: c.1351C>T, p.Arg451Cys (NM_000244.4, NM_130800.3, NM_130801.3 and 3 more transcripts); c.1462C>T, p.Arg488Cys (NM_001370251.2); c.1336C>T, p.Arg446Cys (NM_001370260.2, NM_001370261.2, NM_130799.3); c.1231C>T, p.Arg411Cys (NM_001370262.2, NM_001370263.2); short protein forms R411C, R446C, R451C, R488C.
Identifiers: ClinVar variation 648870 (VCV000648870.7), dbSNP rs1592636375, ClinGen allele CA381180096.

ClinVar aggregate classification (germline): Uncertain significance (1 of 4 stars; one submission).

Conditions:
Multiple endocrine neoplasia, type 1 (MEN1). Also called: Endocrine adenomatosis multiple; MEN 1; MEA I; MEN I; WERMER SYNDROME. Identifiers: Orphanet 652, MedGen C0025267, MeSH D018761, MONDO:0007540, OMIM 131100.

Submission:

Labcorp Genetics (formerly Invitae), Labcorp
Classification: Uncertain significance for Multiple endocrine neoplasia, type 1. Last evaluated: 2018-08-05. Review status: criteria provided, single submitter. Criteria: Invitae Variant Classification Sherloc (09022015). Collection method: clinical testing. Allele origin: germline.
Comment: In summary, the available evidence is currently insufficient to determine the role of this variant in disease. Therefore, it has been classified as a Variant of Uncertain Significance. Algorithms developed to predict the effect of missense changes on protein structure and function are either unavailable or do not agree on the potential impact of this missense change (SIFT: "Deleterious"; PolyPhen-2: "Probably Damaging"; Align-GVGD: "Class C0"). This variant has not been reported in the literature in individuals with MEN1-related disease. This variant is not present in population databases (ExAC no frequency). This sequence change replaces arginine with cysteine at codon 446 of the MEN1 protein (p.Arg446Cys). The arginine residue is moderately conserved and there is a large physicochemical difference between arginine and cysteine.